The following is an entry in ClinVar:

ClinVar aggregate classification (germline): Conflicting classifications of pathogenicity. Review status: criteria provided, conflicting classifications (1 of 4 stars). 3 submissions from 3 submitters: Uncertain significance (2); Likely benign (1). Last evaluated 2025-10-07.

Conditions:
Inborn genetic diseases. Identifiers: MedGen C0950123, MeSH D030342.

Allele frequency attached by ClinVar (database versions not stated): gnomAD exomes below 0.00001 and 0.00001; ExAC 0.00001; gnomAD 0.00001; TOPMed 0.00002.
gnomAD v4.1: 12 of 1,614,036 alleles (0.00074%); highest among the groups gnomAD compares: Middle Eastern, 0.033%; no homozygotes.

Submissions (3):

Ambry Genetics
Classification: Likely benign for Inborn genetic diseases. Last evaluated: 2025-10-07. Review status: criteria provided, single submitter. Criteria: Ambry Variant Classification Scheme 2023. Collection method: clinical testing. Allele origin: germline.

Labcorp Genetics (formerly Invitae), Labcorp
Classification: Uncertain significance. Last evaluated: 2025-01-28. Review status: criteria provided, single submitter. Criteria: Invitae Variant Classification Sherloc (09022015). Collection method: clinical testing. Allele origin: germline.
Comment: This sequence change replaces threonine, which is neutral and polar, with methionine, which is neutral and non-polar, at codon 2495 of the COL7A1 protein (p.Thr2495Met). This variant is present in population databases (rs771717980, gnomAD 0.006%). This variant has not been reported in the literature in individuals affected with COL7A1-related conditions. ClinVar contains an entry for this variant (Variation ID: 1398133). Invitae Evidence Modeling of protein sequence and biophysical properties (such as structural, functional, and spatial information, amino acid conservation, physicochemical variation, residue mobility, and thermodynamic stability) indicates that this missense variant is not expected to disrupt COL7A1 protein function with a negative predictive value of 95%. In summary, the available evidence is currently insufficient to determine the role of this variant in disease. Therefore, it has been classified as a Variant of Uncertain Significance.

Women's Health and Genetics/Laboratory Corporation of America, LabCorp
Classification: Uncertain significance. Last evaluated: 2024-12-06. Review status: criteria provided, single submitter. Criteria: LabCorp Variant Classification Summary - May 2015. Collection method: clinical testing. Allele origin: germline.

NM_000094.4(COL7A1):c.7484C>T (p.Thr2495Met)

Gene: COL7A1 (collagen type VII alpha 1 chain; minus strand). Cytogenetic location: 3p21.31.
Variant type: single nucleotide variant.
Coding change: c.7484C>T on transcript NM_000094.4 (MANE Select); coding-DNA position 7484, C replaced by T.
Protein change: p.Thr2495Met; replaces threonine 2495 with methionine.
Molecular consequence: missense variant.
Genome position (GRCh38, 1-based): chr3:48,570,135, G>A on the plus strand (C>T on the coding strand, the complement: COL7A1 is on the minus strand). VCF-style: chr3-48570135-G-A. GRCh37 (hg19) VCF-style: chr3-48607568-G-A.
Other names: c.7484C>T (NM_000094.3); short protein forms T2495M.
Identifiers: ClinVar variation 1398133 (VCV001398133.10), dbSNP rs771717980, ClinGen allele CA2378486.